The following is an entry in ClinVar:

NM_001080517.3(SETD5):c.2476+4C>T

Gene: SETD5 (SET domain containing 5; plus strand). Cytogenetic location: 3p25.3.
Variant type: single nucleotide variant.
Coding change: c.2476+4C>T on transcript NM_001080517.3 (MANE Select); 4 bases into the intron after coding-DNA position 2476, C replaced by T.
Molecular consequence: intron variant.
Genome position (GRCh38, 1-based): chr3:9,453,872, C>T. VCF-style: chr3-9453872-C-T. GRCh37 (hg19) VCF-style: chr3-9495556-C-T.
Other names: c.2476+4C>T (NM_001080517.1, NM_001080517.2); c.2182+4C>T (NM_001349451.2, NM_001292043.2).
Identifiers: ClinVar variation 445680 (VCV000445680.37), dbSNP rs371030587, ClinGen allele CA2239458.

ClinVar aggregate classification (germline): Benign/Likely benign. Review status: criteria provided, multiple submitters, no conflicts (2 of 4 stars). 6 submissions from 6 submitters: Benign (1); Likely benign (4). 1 of the submissions does not count toward it. Last evaluated 2026-09-01.

Conditions:
Inborn genetic diseases. Identifiers: MedGen C0950123, MeSH D030342.
SETD5-related disorder. Also called: SETD5-related disorders; SETD5-related condition.

Allele frequency attached by ClinVar (database versions not stated): gnomAD 0.00044 and 0.00045; TOPMed 0.00050; gnomAD exomes 0.00052 and 0.00089; ExAC 0.00057; ESP Exome Variant Server 0.00092.
gnomAD v4.1: 1,314 of 1,561,362 alleles (0.084%); highest among the groups gnomAD compares: Non-Finnish European, 0.1%; 1 homozygote.

Submissions (6):

CeGaT Center for Human Genetics Tuebingen
Classification: Likely benign. Last evaluated: 2026-09-01. Review status: criteria provided, single submitter. Criteria: CeGaT Center For Human Genetics Tuebingen Variant Classification Criteria Version 2. Collection method: clinical testing. Allele origin: germline. Affected: yes. Observed: 6 variant alleles.
Comment: SETD5: BP4, BS1

Labcorp Genetics (formerly Invitae), Labcorp
Classification: Likely benign. Last evaluated: 2025-12-08. Review status: criteria provided, single submitter. Criteria: Invitae Variant Classification Sherloc (09022015). Collection method: clinical testing. Allele origin: germline.

Ambry Genetics
Classification: Likely benign for Inborn genetic diseases. Last evaluated: 2025-09-03. Review status: criteria provided, single submitter. Criteria: Ambry Variant Classification Scheme 2023. Collection method: clinical testing. Allele origin: germline.

GeneDx
Classification: Benign. Last evaluated: 2020-01-14. Review status: criteria provided, single submitter. Criteria: GeneDx Variant Classification Process June 2021. Collection method: clinical testing. Allele origin: germline. Affected: yes.

Center for Pediatric Genomic Medicine, Children's Mercy Hospital and Clinics
Classification: Likely benign. Last evaluated: 2017-08-24. Review status: criteria provided, single submitter. Criteria: ACMG Guidelines, 2015. Collection method: clinical testing. Allele origin: germline.

PreventionGenetics, part of Exact Sciences
Classification: Likely benign for SETD5-related condition. Last evaluated: 2023-12-26. Review status: no assertion criteria provided. Collection method: clinical testing. Allele origin: germline. Not counted in ClinVar's aggregate classification.
Comment: This variant is classified as likely benign based on ACMG/AMP sequence variant interpretation guidelines (Richards et al. 2015 PMID: 25741868, with internal and published modifications).